The following is an entry in ClinVar:

NM_000179.3(MSH6):c.940A>G (p.Ser314Gly)

Gene: MSH6 (mutS homolog 6; plus strand). Cytogenetic location: 2p16.3.
Variant type: single nucleotide variant.
Coding change: c.940A>G on transcript NM_000179.3 (MANE Select); coding-DNA position 940, A replaced by G.
Protein change: p.Ser314Gly; replaces serine 314 with glycine.
Molecular consequence: missense variant.
Genome position (GRCh38, 1-based): chr2:47,798,923, A>G. VCF-style: chr2-47798923-A-G. GRCh37 (hg19) VCF-style: chr2-48026062-A-G.
Other names: c.550A>G, p.Ser184Gly (NM_001281492.2); c.34A>G, p.Ser12Gly (NM_001281493.2, NM_001281494.2); short protein forms S314G, S184G, S12G.
Identifiers: ClinVar variation 480925 (VCV000480925.9), dbSNP rs1553412366, ClinGen allele CA346740776.

ClinVar aggregate classification (germline): Uncertain significance. Review status: criteria provided, multiple submitters, no conflicts (2 of 4 stars). 3 submissions from 3 submitters: Uncertain significance (3). Last evaluated 2024-09-16.

Conditions:
Lynch syndrome. Identifiers: Orphanet 144, MedGen C4552100, MONDO:0005835. Disease mechanism: loss of function.
Hereditary cancer-predisposing syndrome. Also called: Hereditary Cancer Syndrome; Neoplastic Syndromes, Hereditary; Tumor predisposition; Hereditary neoplastic syndrome. Identifiers: Orphanet 140162, MedGen C0027672, MeSH D009386, MONDO:0015356.

gnomAD v4.1: 1 of 1,614,172 alleles (0.000062%); highest among the groups gnomAD compares: Non-Finnish European, 0.000085%; no homozygotes.

Submissions (3):

All of Us Research Program, National Institutes of Health
Classification: Uncertain significance for Lynch syndrome. Last evaluated: 2024-09-16. Review status: criteria provided, single submitter. Criteria: ACMG Guidelines, 2015. Collection method: clinical testing. Allele origin: germline. Inheritance: Autosomal dominant inheritance. Observed: 1 variant allele, 1 heterozygote.
Comment: This missense variant replaces serine with glycine at codon 314 of the MSH6 protein. Computational prediction suggests that this variant may not impact protein structure and function (internally defined REVEL score threshold <= 0.5, PMID: 27666373). To our knowledge, functional studies have not been reported for this variant. This variant has not been reported in individuals affected with MSH6-related disorders in the literature. This variant has not been identified in the general population by the Genome Aggregation Database (gnomAD). The available evidence is insufficient to determine the role of this variant in disease conclusively. Therefore, this variant is classified as a Variant of Uncertain Significance.

This study involves interpretation of variants in research participants for the purpose of population health screening. Participant phenotype was not available at the time of variant classification. Additional details can be found in publication PMID: 35346344, PMCID: PMC8962531

Color Diagnostics, LLC DBA Color Health
Classification: Uncertain significance for Hereditary cancer-predisposing syndrome. Last evaluated: 2024-07-31. Review status: criteria provided, single submitter. Criteria: ACMG Guidelines, 2015. Collection method: clinical testing. Allele origin: germline.
Comment: This missense variant replaces serine with glycine at codon 314 of the MSH6 protein. Computational prediction suggests that this variant may not impact protein structure and function (internally defined REVEL score threshold <= 0.5, PMID: 27666373). To our knowledge, functional studies have not been reported for this variant. This variant has not been reported in individuals affected with MSH6-related disorders in the literature. This variant has not been identified in the general population by the Genome Aggregation Database (gnomAD). The available evidence is insufficient to determine the role of this variant in disease conclusively. Therefore, this variant is classified as a Variant of Uncertain Significance.

Ambry Genetics
Classification: Uncertain significance for Hereditary cancer-predisposing syndrome. Last evaluated: 2016-10-04. Review status: criteria provided, single submitter. Criteria: Ambry Variant Classification Scheme 2023. Collection method: clinical testing. Allele origin: germline.
Comment: The p.S314G variant (also known as c.940A>G), located in coding exon 4 of the MSH6 gene, results from an A to G substitution at nucleotide position 940. The serine at codon 314 is replaced by glycine, an amino acid with similar properties. This variant was not reported in population based cohorts in the following databases: Database of Single Nucleotide Polymorphisms (dbSNP), NHLBI Exome Sequencing Project (ESP), and 1000 Genomes Project. In the ESP, this variant was not observed in 6503 samples (13006 alleles) with coverage at this position. To date, this alteration has been detected with an allele frequency of approximately 0.001% (greater than 150000 alleles tested) in our clinical cohort. This amino acid position is not well conserved in available vertebrate species. In addition, this alteration is predicted to be tolerated by in silico analysis. In addition, the CoDP in silico tool predicts this alteration to have minor impact on molecular function, with a score of 0.000 (Terui H et al. J. Biomed. Sci. 2013;20:25). Since supporting evidence is limited at this time, the clinical significance of this alteration remains unclear.